The following is an entry in ClinVar:

NM_001164508.2(NEB):c.13417del (p.Leu4473fs)

Gene: NEB (nebulin; minus strand). Cytogenetic location: 2q23.3.
Variant type: Deletion.
Coding change: c.13417del on transcript NM_001164508.2 (MANE Select); coding-DNA position 13417, one base deleted (C; older notation c.13417delC).
Protein change: p.Leu4473fs; shifts the reading frame from leucine 4473.
Molecular consequence: frameshift variant. On other transcripts: intron variant (1).
Genome position (GRCh38, 1-based): chr2:151,601,960, G deleted on the plus strand (C on the coding strand, the reverse complement: NEB is on the minus strand); the first of 2 consecutive G bases (chr2:151,601,960-151,601,961); deleting either gives the same sequence. VCF-style (leftmost placement, unchanged base first): chr2-151601959-AG-A. GRCh37 (hg19) VCF-style: chr2-152458473-AG-A.
Other names: c.13417del, p.Leu4473fs (NM_001164507.2, NM_001271208.2); c.11601+7849del (NM_004543.5); short protein forms L4473fs.
Identifiers: ClinVar variation 1071929 (VCV001071929.9), dbSNP rs2153923874, ClinGen allele CA2499215060.
Genomic context (GRCh38, chr2:151,601,959, plus strand): 5'-ACGTCACTGGCAATATCCCTGGAAGCCTTGGCATGCTGGATCCCAATGGCATCTGCTCGC[AG>A]GTCATAACCAGTCATCTTGACATCTTCCCAAGCTTGCTGATAGCGTTTCTGCAAACAGAG-3'

ClinVar aggregate classification (germline): Pathogenic (1 of 4 stars; one submission).

Conditions:
Nemaline myopathy 2 (NEM2). Also called: Nemaline myopathy 2, autosomal recessive. Identifiers: MedGen C1850569, MONDO:0009725, OMIM 256030.

Submission:

Labcorp Genetics (formerly Invitae), Labcorp
Classification: Pathogenic for Nemaline myopathy 2. Last evaluated: 2020-06-21. Review status: criteria provided, single submitter. Criteria: Invitae Variant Classification Sherloc (09022015). Collection method: clinical testing. Allele origin: germline.
Comment: This variant occurs in a region of NEB (Exons 82-105) consisting of three highly homologous 8-exon repeat units (exons 82-89, exons 90-97, exons 98-105). Sequence variants in this region can be detected, but this assay cannot determine which of the three repeat units is affected, and zygosity is often ambiguous. All variants in this region are reported relative to the exon 82-89 repeat For these reasons, this variant has been classified as Pathogenic. Loss-of-function variants in NEB are known to be pathogenic (PMID: 25205138). This variant has not been reported in the literature in individuals with NEB-related conditions. This sequence change creates a premature translational stop signal (p.Leu4473Cysfs*53) in the NEB gene. It is expected to result in an absent or disrupted protein product.

Literature cited by the submitters: PubMed 25205138.